The following is an entry in ClinVar:

NM_000143.4(FH):c.83T>G (p.Leu28Trp)

Gene: FH (fumarate hydratase; minus strand). Cytogenetic location: 1q43.
Variant type: single nucleotide variant.
Coding change: c.83T>G on transcript NM_000143.4 (MANE Select); coding-DNA position 83, T replaced by G.
Protein change: p.Leu28Trp; replaces leucine 28 with tryptophan.
Molecular consequence: missense variant.
Genome position (GRCh38, 1-based): chr1:241,519,640, A>C on the plus strand (T>G on the coding strand, the complement: FH is on the minus strand). VCF-style: chr1-241519640-A-C. GRCh37 (hg19) VCF-style: chr1-241682940-A-C.
Other names: short protein forms L28W.
Identifiers: ClinVar variation 2737533 (VCV002737533.3), dbSNP rs2527345107, ClinGen allele CA345442772.

ClinVar aggregate classification (germline): Uncertain significance (1 of 4 stars; one submission).

Submission:

Labcorp Genetics (formerly Invitae), Labcorp
Classification: Uncertain significance. Last evaluated: 2025-05-27. Review status: criteria provided, single submitter. Criteria: Invitae Variant Classification Sherloc (09022015). Collection method: clinical testing. Allele origin: germline.
Comment: This sequence change replaces leucine, which is neutral and non-polar, with tryptophan, which is neutral and slightly polar, at codon 28 of the FH protein (p.Leu28Trp). This variant is not present in population databases (gnomAD no frequency). This variant has not been reported in the literature in individuals affected with FH-related conditions. ClinVar contains an entry for this variant (Variation ID: 2737533). Invitae Evidence Modeling of protein sequence and biophysical properties (such as structural, functional, and spatial information, amino acid conservation, physicochemical variation, residue mobility, and thermodynamic stability) indicates that this missense variant is not expected to disrupt FH protein function with a negative predictive value of 95%. In summary, the available evidence is currently insufficient to determine the role of this variant in disease. Therefore, it has been classified as a Variant of Uncertain Significance.